The following is an entry in ClinVar:

ClinVar aggregate classification (germline): Likely benign. Review status: criteria provided, multiple submitters, no conflicts (2 of 4 stars). 3 submissions from 3 submitters: Likely benign (2). 1 of the submissions does not count toward it. Last evaluated 2025-12-04.

Conditions:
DVL1-related disorder. Also called: DVL1-related condition.

Allele frequency attached by ClinVar (database versions not stated): gnomAD exomes 0.00019 and 0.00020; ExAC 0.00026; 1000 Genomes Project 30x 0.00047; gnomAD 0.00058 and 0.00063; 1000 Genomes Project 0.00060; TOPMed 0.00068; ESP Exome Variant Server 0.00100.
gnomAD v4.1: 355 of 1,610,266 alleles (0.022%); highest among the groups gnomAD compares: African/African-American, 0.21%; no homozygotes.

Submissions (3):

Labcorp Genetics (formerly Invitae), Labcorp
Classification: Likely benign. Last evaluated: 2025-12-04. Review status: criteria provided, single submitter. Criteria: Invitae Variant Classification Sherloc (09022015). Collection method: clinical testing. Allele origin: germline.

CeGaT Center for Human Genetics Tuebingen
Classification: Likely benign. Last evaluated: 2023-09-01. Review status: criteria provided, single submitter. Criteria: CeGaT Center For Human Genetics Tuebingen Variant Classification Criteria Version 2. Collection method: clinical testing. Allele origin: germline. Affected: yes. Observed: 1 variant allele.
Comment: DVL1: BP4, BS2

PreventionGenetics, part of Exact Sciences
Classification: Likely benign for DVL1-related condition. Last evaluated: 2022-06-02. Review status: no assertion criteria provided. Collection method: clinical testing. Allele origin: germline. Not counted in ClinVar's aggregate classification.
Comment: This variant is classified as likely benign based on ACMG/AMP sequence variant interpretation guidelines (Richards et al. 2015 PMID: 25741868, with internal and published modifications).

NM_001330311.2(DVL1):c.532G>A (p.Ala178Thr)

Gene: DVL1 (dishevelled segment polarity protein 1; minus strand). Cytogenetic location: 1p36.33.
Variant type: single nucleotide variant.
Coding change: c.532G>A on transcript NM_001330311.2 (MANE Select); coding-DNA position 532, G replaced by A.
Protein change: p.Ala178Thr; replaces alanine 178 with threonine.
Molecular consequence: missense variant.
Genome position (GRCh38, 1-based): chr1:1,341,740, C>T on the plus strand (G>A on the coding strand, the complement: DVL1 is on the minus strand). VCF-style: chr1-1341740-C-T. GRCh37 (hg19) VCF-style: chr1-1277120-C-T.
Other names: c.532G>A, p.Ala178Thr (NM_004421.3); short protein forms A178T.
Identifiers: ClinVar variation 728840 (VCV000728840.35), dbSNP rs149806644, ClinGen allele CA520634.